The following is an entry in ClinVar:

ClinVar aggregate classification (germline): Uncertain significance (1 of 4 stars; one submission).

Conditions:
Trichorhinophalangeal dysplasia type I (TRPS1). Also called: TRICHORHINOPHALANGEAL SYNDROME, TYPE I; TRPS I. Identifiers: Orphanet 77258, MedGen C0432233, MONDO:0008596, OMIM 190350.
Trichorhinophalangeal syndrome, type III (TRPS3). Also called: SUGIO-KAJII SYNDROME. Identifiers: Orphanet 77258, MedGen C1860823, OMIM 190351, MONDO:0008597.

Submission:

Labcorp Genetics (formerly Invitae), Labcorp
Classification: Uncertain significance for Trichorhinophalangeal syndrome, type III; Trichorhinophalangeal dysplasia type I. Last evaluated: 2022-11-17. Review status: criteria provided, single submitter. Criteria: Invitae Variant Classification Sherloc (09022015). Collection method: clinical testing. Allele origin: germline.
Comment: In summary, the available evidence is currently insufficient to determine the role of this variant in disease. Therefore, it has been classified as a Variant of Uncertain Significance. Advanced modeling of protein sequence and biophysical properties (such as structural, functional, and spatial information, amino acid conservation, physicochemical variation, residue mobility, and thermodynamic stability) performed at Invitae indicates that this missense variant is not expected to disrupt TRPS1 protein function. This variant has not been reported in the literature in individuals affected with TRPS1-related conditions. This variant is not present in population databases (gnomAD no frequency). This sequence change replaces lysine, which is basic and polar, with arginine, which is basic and polar, at codon 139 of the TRPS1 protein (p.Lys139Arg).

NM_014112.5(TRPS1):c.416A>G (p.Lys139Arg)

Gene: TRPS1 (transcriptional repressor GATA binding 1; minus strand). Cytogenetic location: 8q23.3.
Variant type: single nucleotide variant.
Coding change: c.416A>G on transcript NM_014112.5 (MANE Select); coding-DNA position 416, A replaced by G.
Protein change: p.Lys139Arg; replaces lysine 139 with arginine.
Molecular consequence: missense variant.
Genome position (GRCh38, 1-based): chr8:115,619,682, T>C on the plus strand (A>G on the coding strand, the complement: TRPS1 is on the minus strand). VCF-style: chr8-115619682-T-C. GRCh37 (hg19) VCF-style: chr8-116631909-T-C.
Other names: c.389A>G, p.Lys130Arg (NM_001282902.3); c.395A>G, p.Lys132Arg (NM_001282903.3); c.377A>G, p.Lys126Arg (NM_001330599.2); short protein forms K132R, K130R, K139R, K126R.
Identifiers: ClinVar variation 2941613 (VCV002941613.3), dbSNP rs2536915113, ClinGen allele CA372069674.